The following is an entry in ClinVar:

ClinVar aggregate classification (germline): Uncertain significance (1 of 4 stars; one submission).

gnomAD v4.1: 1 of 1,446,802 alleles (0.000069%); highest among the groups gnomAD compares: African/African-American, 0.0014%; no homozygotes.

Submission:

Labcorp Genetics (formerly Invitae), Labcorp
Classification: Uncertain significance. Last evaluated: 2025-07-31. Review status: criteria provided, single submitter. Criteria: Invitae Variant Classification Sherloc (09022015). Collection method: clinical testing. Allele origin: germline.
Comment: This sequence change replaces valine, which is neutral and non-polar, with isoleucine, which is neutral and non-polar, at codon 1437 of the SCN3A protein (p.Val1437Ile). This variant is not present in population databases (gnomAD no frequency). This variant has not been reported in the literature in individuals affected with SCN3A-related conditions. Invitae Evidence Modeling of protein sequence and biophysical properties (such as structural, functional, and spatial information, amino acid conservation, physicochemical variation, residue mobility, and thermodynamic stability) indicates that this missense variant is not expected to disrupt SCN3A protein function with a negative predictive value of 95%. In summary, the available evidence is currently insufficient to determine the role of this variant in disease. Therefore, it has been classified as a Variant of Uncertain Significance.

NM_006922.4(SCN3A):c.4309G>A (p.Val1437Ile)

Gene: SCN3A (sodium voltage-gated channel alpha subunit 3; minus strand). Cytogenetic location: 2q24.3.
Variant type: single nucleotide variant.
Coding change: c.4309G>A on transcript NM_006922.4 (MANE Select); coding-DNA position 4309, G replaced by A.
Protein change: p.Val1437Ile; replaces valine 1437 with isoleucine.
Molecular consequence: missense variant.
Genome position (GRCh38, 1-based): chr2:165,095,633, C>T on the plus strand (G>A on the coding strand, the complement: SCN3A is on the minus strand). VCF-style: chr2-165095633-C-T. GRCh37 (hg19) VCF-style: chr2-165952143-C-T.
Other names: c.4162G>A, p.Val1388Ile (NM_001081676.2, NM_001081677.2); short protein forms V1437I, V1388I.
Identifiers: ClinVar variation 4745726 (VCV004745726.1).
Genomic context (GRCh38, chr2:165,095,633, plus strand): 5'-ATGACCCAAAGATGATAAAGATGACAAAGTATAAATACATGTACAGATTTTCTTCATATA[C>T]AGGCTGAAGTTTAACCTAAATGATATTGAAAATATTAAATAATATGAAAAATACTATAAA-3'
Protein context (NP_008853.3, residues 1427-1447): VDSRDVKLQP[Val1437Ile]YEENLYMYLY